The following is an entry in ClinVar:

NM_001145313.3(FSD1L):c.1411C>T (p.Gln471Ter)

Gene: FSD1L (fibronectin type III and SPRY domain containing 1 like; plus strand). Cytogenetic location: 9q31.2.
Variant type: single nucleotide variant.
Coding change: c.1411C>T on transcript NM_001145313.3 (MANE Select); coding-DNA position 1411, C replaced by T.
Protein change: p.Gln471Ter; replaces glutamine 471 with a stop codon.
Molecular consequence: nonsense.
Genome position (GRCh38, 1-based): chr9:105,539,295, C>T. VCF-style: chr9-105539295-C-T. GRCh37 (hg19) VCF-style: chr9-108301576-C-T.
Other names: c.1345C>T, p.Gln449Ter (NM_001287191.2); c.1312C>T, p.Gln438Ter (NM_001287192.2); c.1348C>T, p.Gln450Ter (NM_001330739.2); short protein forms Q438*, Q449*, Q450*, Q471*.
Identifiers: ClinVar variation 2628091 (VCV002628091.2), dbSNP rs2538321561, ClinGen allele CA374330144.

ClinVar aggregate classification (germline): Pathogenic (1 of 4 stars; one submission).

Conditions:
Hydrocephalus, nonsyndromic, autosomal recessive 1 (HYC1). Also called: Hydrocephalus, nonsyndromic, autosomal recessive; Congenital hydrocephalus 1. Identifiers: Orphanet 2185, MedGen C3887608, MONDO:0009360, OMIM 236600.

Submission:

Department of Genetics, Rouen University Hospital, Normandy Center for Genomic and Personalized Medicine
Classification: Pathogenic for Hydrocephalus, nonsyndromic, autosomal recessive 1. Review status: criteria provided, single submitter. Criteria: ACMG Guidelines, 2015. Collection method: research. Allele origin: biparental. Inheritance: Autosomal recessive inheritance. Affected: yes. Observed: 1 homozygote.
Comment: Hydrocephalus nonsyndromic